The following is an entry in ClinVar:

NM_000038.6(APC):c.4623G>C (p.Gln1541His)

Gene: APC (APC regulator of Wnt signaling pathway; plus strand). Cytogenetic location: 5q22.2.
Variant type: single nucleotide variant.
Coding change: c.4623G>C on transcript NM_000038.6 (MANE Select); coding-DNA position 4623, G replaced by C.
Protein change: p.Gln1541His; replaces glutamine 1541 with histidine.
Molecular consequence: missense variant.
Genome position (GRCh38, 1-based): chr5:112,840,217, G>C. VCF-style: chr5-112840217-G-C. GRCh37 (hg19) VCF-style: chr5-112175914-G-C.
Other names: c.4623G>C, p.Gln1541His (NM_001127510.3, NM_001354895.2); c.4569G>C, p.Gln1523His (NM_001127511.3); c.4677G>C, p.Gln1559His (NM_001354896.2); c.4653G>C, p.Gln1551His (NM_001354897.2); c.4548G>C, p.Gln1516His (NM_001354898.2); c.4539G>C, p.Gln1513His (NM_001354899.2); c.4500G>C, p.Gln1500His (NM_001354900.2); c.4446G>C, p.Gln1482His (NM_001354901.2); and 5 more; short protein forms Q1258H, Q1482H, Q1513H, Q1551H, Q1381H, Q1450H, Q1500H, Q1516H.
Identifiers: ClinVar variation 1425253 (VCV001425253.8), dbSNP rs369281524, ClinGen allele CA16031459.
Genomic context (GRCh38, chr5:112,840,217, plus strand): 5'-ATTAAGAATAATGCCTCCAGTTCAGGAAAATGACAATGGGAATGAAACAGAATCAGAGCA[G>C]CCTAAAGAATCAAATGAAAACCAAGAGAAAGAGGCAGAAAAAACTATTGATTCTGAAAAG-3'
Protein context (NP_000029.2, residues 1531-1551): NDNGNETESE[Gln1541His]PKESNENQEK

ClinVar aggregate classification (germline): Uncertain significance (1 of 4 stars; one submission).

Conditions:
Familial adenomatous polyposis 1 (FAP1). Also called: POLYPOSIS, ADENOMATOUS INTESTINAL; FAMILIAL ADENOMATOUS POLYPOSIS 1, ATTENUATED. Identifiers: MedGen C2713442, MONDO:0021056, OMIM 175100. Disease mechanism: loss of function.

Submission:

Labcorp Genetics (formerly Invitae), Labcorp
Classification: Uncertain significance for Familial adenomatous polyposis 1. Last evaluated: 2023-11-20. Review status: criteria provided, single submitter. Criteria: Invitae Variant Classification Sherloc (09022015). Collection method: clinical testing. Allele origin: germline.
Comment: This sequence change replaces glutamine, which is neutral and polar, with histidine, which is basic and polar, at codon 1541 of the APC protein (p.Gln1541His). This variant is not present in population databases (gnomAD no frequency). This variant has not been reported in the literature in individuals affected with APC-related conditions. ClinVar contains an entry for this variant (Variation ID: 1425253). Advanced modeling of protein sequence and biophysical properties (such as structural, functional, and spatial information, amino acid conservation, physicochemical variation, residue mobility, and thermodynamic stability) performed at Invitae indicates that this missense variant is not expected to disrupt APC protein function with a negative predictive value of 95%. In summary, the available evidence is currently insufficient to determine the role of this variant in disease. Therefore, it has been classified as a Variant of Uncertain Significance.